The following is an entry in ClinVar:

ClinVar aggregate classification (germline): Uncertain significance. Review status: criteria provided, multiple submitters, no conflicts (2 of 4 stars). 3 submissions from 3 submitters: Uncertain significance (3). Last evaluated 2026-02-02.

Conditions:
Dilated cardiomyopathy 1G (CMD1G). Identifiers: Orphanet 154, MedGen C1858763, MONDO:0011400, OMIM 604145.
Hypertrophic cardiomyopathy 9. Also called: Familial hypertrophic cardiomyopathy 9. Identifiers: MedGen C1861065, MONDO:0013412, OMIM 613765.

Allele frequency attached by ClinVar (database versions not stated): gnomAD exomes below 0.00001.
gnomAD v4.1: 2 of 1,612,960 alleles (0.00012%); highest among the groups gnomAD compares: East Asian, 0.0022%; no homozygotes.

Submissions (3):

GeneDx
Classification: Uncertain significance. Last evaluated: 2026-02-02. Review status: criteria provided, single submitter. Criteria: GeneDx Variant Classification Process June 2021. Collection method: clinical testing. Allele origin: germline.
Comment: Not observed at significant frequency in large population cohorts (gnomAD); Missense variant in a gene in which most reported pathogenic variants are truncating/loss of function; Has not been previously published as pathogenic or benign to our knowledge

Revvity Omics, Revvity
Classification: Uncertain significance. Last evaluated: 2024-05-14. Review status: criteria provided, single submitter. Criteria: ACMG Guidelines, 2015. Collection method: clinical testing. Allele origin: germline.

New York Genome Center
Classification: Uncertain significance for Dilated cardiomyopathy 1G; Hypertrophic cardiomyopathy 9. Last evaluated: 2022-12-08. Review status: criteria provided, single submitter. Criteria: NYGC Assertion Criteria 2020. Collection method: clinical testing. Allele origin: germline. Observed: 1 variant allele.

NM_001267550.2(TTN):c.71266G>A (p.Gly23756Ser)

Genes: TTN (titin; minus strand), TTN-AS1 (TTN antisense RNA 1; plus strand). Cytogenetic location: 2q31.2.
Variant type: single nucleotide variant.
Coding change: c.71266G>A on transcript NM_001267550.2 (MANE Select); coding-DNA position 71266, G replaced by A.
Protein change: p.Gly23756Ser; replaces glycine 23756 with serine.
Molecular consequence: missense variant.
Genome position (GRCh38, 1-based): chr2:178,574,866, C>T on the plus strand (G>A on the coding strand, the complement: TTN is on the minus strand). VCF-style: chr2-178574866-C-T. GRCh37 (hg19) VCF-style: chr2-179439593-C-T.
Other names: c.66343G>A, p.Gly22115Ser (NM_001256850.1); c.44071G>A, p.Gly14691Ser (NM_003319.4); c.63562G>A, p.Gly21188Ser (NM_133378.4); c.44446G>A, p.Gly14816Ser (NM_133432.3); c.44647G>A, p.Gly14883Ser (NM_133437.4); short protein forms G14691S, G14816S, G14883S, G21188S, G22115S, G23756S.
Identifiers: ClinVar variation 2437506 (VCV002437506.5), dbSNP rs2468650185, ClinGen allele CA349658415.